The following is an entry in ClinVar:

ClinVar aggregate classification (germline): Likely pathogenic. Review status: criteria provided, single submitter (1 of 4 stars). 2 submissions from 2 submitters: Likely pathogenic (1). 1 of the submissions does not count toward it. Last evaluated 2025-05-19.

Conditions:
Microcephaly, growth restriction, and increased sister chromatid exchange 2. Identifiers: MedGen C4748176, MONDO:0020628, OMIM 618097.

Submissions (2):

Labcorp Genetics (formerly Invitae), Labcorp
Classification: Likely pathogenic. Last evaluated: 2025-05-19. Review status: criteria provided, single submitter. Criteria: Invitae Variant Classification Sherloc (09022015). Collection method: clinical testing. Allele origin: germline.
Comment: This sequence change is expected to alter the c-terminus of the TOP3A protein (p.Thr907Leufs*101). While this is not anticipated to result in nonsense mediated decay, it is expected to disrupt the last 95 amino acid(s) of the TOP3A protein and extend the protein by 5 additional amino acid residues. This variant is present in population databases (no rsID available, gnomAD 0.0009%). This frameshift has been observed in individual(s) with adult-onset mitochondrial disease and/or Bloom-like syndrome (PMID: 30057030, 37013609). ClinVar contains an entry for this variant (Variation ID: 560202). Algorithms developed to predict the effect of variants on gene product structure and function are not available or were not evaluated for this variant. Experimental studies have shown that this frameshift affects TOP3A function (PMID: 30057030). In summary, the currently available evidence indicates that the variant is pathogenic, but additional data are needed to prove that conclusively. Therefore, this variant has been classified as Likely Pathogenic.

OMIM
Classification: Pathogenic for MICROCEPHALY, GROWTH RESTRICTION, AND INCREASED SISTER CHROMATID EXCHANGE 2. Last evaluated: 2018-08-30. Review status: no assertion criteria provided. Collection method: literature only. Allele origin: germline. Not counted in ClinVar's aggregate classification.

Literature cited by the submitters: PubMed 30057030 (cited by Labcorp Genetics (formerly Invitae), Labcorp and OMIM); PubMed 37013609 (cited by Labcorp Genetics (formerly Invitae), Labcorp).

NM_004618.5(TOP3A):c.2718del (p.Thr907fs)

Gene: TOP3A (DNA topoisomerase III alpha; minus strand). Cytogenetic location: 17p11.2.
Variant type: Deletion.
Coding change: c.2718del on transcript NM_004618.5 (MANE Select); coding-DNA position 2718, one base deleted (G; older notation c.2718delG).
Protein change: p.Thr907fs; shifts the reading frame from threonine 907.
Molecular consequence: frameshift variant.
Genome position (GRCh38, 1-based): chr17:18,277,784, C deleted on the plus strand (G on the coding strand, the reverse complement: TOP3A is on the minus strand); the first of 2 consecutive C bases (chr17:18,277,784-18,277,785); deleting either gives the same sequence. VCF-style (leftmost placement, unchanged base first): chr17-18277783-TC-T. GRCh37 (hg19) VCF-style: chr17-18181097-TC-T.
Other names: chr17:g.18277785del; c.2433del, p.Thr812fs (NM_001320759.2); short protein forms T812fs, T907fs.
Identifiers: ClinVar variation 560202 (VCV000560202.2), dbSNP rs1288928564, ClinGen allele CA398623135.